The following is an entry in ClinVar:

NM_000965.5(RARB):c.1220T>C (p.Leu407Pro)

Gene: RARB (retinoic acid receptor beta; plus strand). Cytogenetic location: 3p24.2.
Variant type: single nucleotide variant.
Coding change: c.1220T>C on transcript NM_000965.5 (MANE Select); coding-DNA position 1220, T replaced by C.
Protein change: p.Leu407Pro; replaces leucine 407 with proline.
Molecular consequence: missense variant. On other transcripts: non-coding transcript variant (2).
Genome position (GRCh38, 1-based): chr3:25,596,489, T>C. VCF-style: chr3-25596489-T-C. GRCh37 (hg19) VCF-style: chr3-25637980-T-C.
Other names: c.1241T>C, p.Leu414Pro (NM_001290216.3); c.884T>C, p.Leu295Pro (NM_001290217.2, NM_001290276.2, NM_016152.4); c.1073T>C, p.Leu358Pro (NM_001290266.2); c.1082T>C, p.Leu361Pro (NM_001290277.1); c.1091T>C, p.Leu364Pro (NM_001290300.2); c.1220T>C (NM_000965.3); short protein forms L295P, L358P, L361P, L364P, L407P, L414P.
Identifiers: ClinVar variation 2579398 (VCV002579398.2), dbSNP rs2529826385, ClinGen allele CA351889212.

ClinVar aggregate classification (germline): Likely pathogenic. Review status: criteria provided, multiple submitters, no conflicts (2 of 4 stars). 2 submissions from 2 submitters: Likely pathogenic (2). Last evaluated 2024-03-27.

Conditions:
Inborn genetic diseases. Identifiers: MedGen C0950123, MeSH D030342.

Submissions (2):

Ambry Genetics
Classification: Likely pathogenic for Inborn genetic diseases. Last evaluated: 2024-03-27. Review status: criteria provided, single submitter. Criteria: Ambry Variant Classification Scheme 2023. Collection method: clinical testing. Allele origin: germline.
Comment: The c.1220T>C (p.L407P) alteration is located in exon 8 (coding exon 8) of the RARB gene. This alteration results from a T to C substitution at nucleotide position 1220, causing the leucine (L) at amino acid position 407 to be replaced by a proline (P). This variant was not reported in population-based cohorts in the Genome Aggregation Database (gnomAD). This amino acid position is highly conserved in available vertebrate species. In an assay testing RARB function, this variant showed a functionally abnormal result (Caron, 2023). This alteration is predicted to be deleterious by in silico analysis. Based on the available evidence, this alteration is classified as likely pathogenic.

GeneDx
Classification: Likely pathogenic. Last evaluated: 2023-03-07. Review status: criteria provided, single submitter. Criteria: GeneDx Variant Classification Process June 2021. Collection method: clinical testing. Allele origin: germline. Affected: yes.
Comment: Not observed at significant frequency in large population cohorts (gnomAD); In silico analysis supports that this missense variant has a deleterious effect on protein structure/function; Has not been previously published as pathogenic or benign to our knowledge

Literature cited by the submitters: PubMed 37092537 (cited by Ambry Genetics).